The following is an entry in ClinVar:

ClinVar aggregate classification (germline): Uncertain significance (1 of 4 stars; one submission).

Conditions:
KBG syndrome (KBGS). Also called: ANKRD11-Related KBG Syndrome. Identifiers: Orphanet 2332, MedGen C0220687, MONDO:0007846, OMIM 148050.

Submission:

Labcorp Genetics (formerly Invitae), Labcorp
Classification: Uncertain significance for KBG syndrome. Last evaluated: 2024-11-05. Review status: criteria provided, single submitter. Criteria: Invitae Variant Classification Sherloc (09022015). Collection method: clinical testing. Allele origin: germline.
Comment: This sequence change replaces arginine, which is basic and polar, with glycine, which is neutral and non-polar, at codon 1797 of the ANKRD11 protein (p.Arg1797Gly). This variant is not present in population databases (gnomAD no frequency). This variant has not been reported in the literature in individuals affected with ANKRD11-related conditions. Invitae Evidence Modeling of protein sequence and biophysical properties (such as structural, functional, and spatial information, amino acid conservation, physicochemical variation, residue mobility, and thermodynamic stability) indicates that this missense variant is not expected to disrupt ANKRD11 protein function with a negative predictive value of 95%. In summary, the available evidence is currently insufficient to determine the role of this variant in disease. Therefore, it has been classified as a Variant of Uncertain Significance.

NM_013275.6(ANKRD11):c.5389A>G (p.Arg1797Gly)

Gene: ANKRD11 (ankyrin repeat domain 11; minus strand). Cytogenetic location: 16q24.3.
Variant type: single nucleotide variant.
Coding change: c.5389A>G on transcript NM_013275.6 (MANE Select); coding-DNA position 5389, A replaced by G.
Protein change: p.Arg1797Gly; replaces arginine 1797 with glycine.
Molecular consequence: missense variant.
Genome position (GRCh38, 1-based): chr16:89,281,153, T>C on the plus strand (A>G on the coding strand, the complement: ANKRD11 is on the minus strand). VCF-style: chr16-89281153-T-C. GRCh37 (hg19) VCF-style: chr16-89347561-T-C.
Other names: c.5389A>G, p.Arg1797Gly (NM_001256182.2, NM_001256183.2); short protein forms R1797G.
Identifiers: ClinVar variation 3692801 (VCV003692801.2).
Genomic context (GRCh38, chr16:89,281,153, plus strand): 5'-CAGGAACGCTCTGCTGCCTGAAGAGCTTGTCTCCGACGCTGAATTCTTCCTCGGGGGTCC[T>C]CCTAATGTCGACAGAGACCGAGCGGTAAAGGTTTGTGGAGAGAGGCCTGGCAGGAGCCTG-3'
Protein context (NP_037407.4, residues 1787-1807): LYRSVSVDIR[Arg1797Gly]TPEEEFSVGD